The following is an entry in ClinVar:

NM_001376.5(DYNC1H1):c.7829G>A (p.Arg2610Gln)

Gene: DYNC1H1 (dynein cytoplasmic 1 heavy chain 1; plus strand). Cytogenetic location: 14q32.31.
Variant type: single nucleotide variant.
Coding change: c.7829G>A on transcript NM_001376.5 (MANE Select); coding-DNA position 7829, G replaced by A.
Protein change: p.Arg2610Gln; replaces arginine 2610 with glutamine.
Molecular consequence: missense variant.
Genome position (GRCh38, 1-based): chr14:102,016,980, G>A. VCF-style: chr14-102016980-G-A. GRCh37 (hg19) VCF-style: chr14-102483317-G-A.
Other names: short protein forms R2610Q.
Identifiers: ClinVar variation 665315 (VCV000665315.7), dbSNP rs1595617746, ClinGen allele CA391003161.

ClinVar aggregate classification (germline): Uncertain significance. Review status: criteria provided, multiple submitters, no conflicts (2 of 4 stars). 2 submissions from 2 submitters: Uncertain significance (2). Last evaluated 2023-07-18.

Conditions:
Charcot-Marie-Tooth disease axonal type 2O. Also called: Charcot-Marie-Tooth disease, axonal, type 20; CHARCOT-MARIE-TOOTH NEUROPATHY, AXONAL, TYPE 2O; CHARCOT-MARIE-TOOTH DISEASE, AXONAL, AUTOSOMAL DOMINANT, TYPE 2O; Charcot-Marie-Tooth Neuropathy Type 2O. Identifiers: Orphanet 284232, MedGen C3280220, MONDO:0013644, OMIM 614228.

Allele frequency attached by ClinVar (database versions not stated): gnomAD exomes below 0.00001; TOPMed below 0.00001; gnomAD 0.00001.
gnomAD v4.1: 2 of 1,614,124 alleles (0.00012%); highest among the groups gnomAD compares: South Asian, 0.0011%; no homozygotes.

Submissions (2):

GeneDx
Classification: Uncertain significance. Last evaluated: 2023-07-18. Review status: criteria provided, single submitter. Criteria: GeneDx Variant Classification Process June 2021. Collection method: clinical testing. Allele origin: germline. Affected: yes.
Comment: Not observed at significant frequency in large population cohorts (gnomAD); In silico analysis supports that this missense variant has a deleterious effect on protein structure/function; Has not been previously published as pathogenic or benign to our knowledge; This variant is associated with the following publications: (PMID: 26100331, 25609763, 25512093)

Labcorp Genetics (formerly Invitae), Labcorp
Classification: Uncertain significance for Charcot-Marie-Tooth disease axonal type 2O. Last evaluated: 2021-08-27. Review status: criteria provided, single submitter. Criteria: Invitae Variant Classification Sherloc (09022015). Collection method: clinical testing. Allele origin: germline.
Comment: This sequence change replaces arginine with glutamine at codon 2610 of the DYNC1H1 protein (p.Arg2610Gln). The arginine residue is highly conserved and there is a small physicochemical difference between arginine and glutamine. This variant is not present in population databases (ExAC no frequency). This variant has not been reported in the literature in individuals affected with DYNC1H1-related conditions. Algorithms developed to predict the effect of missense changes on protein structure and function are either unavailable or do not agree on the potential impact of this missense change (SIFT: "Deleterious"; PolyPhen-2: "Probably Damaging"; Align-GVGD: "Class C0"). Algorithms developed to predict the effect of sequence changes on RNA splicing suggest that this variant may create or strengthen a splice site. In summary, the available evidence is currently insufficient to determine the role of this variant in disease. Therefore, it has been classified as a Variant of Uncertain Significance.